The following is an entry in ClinVar:

ClinVar aggregate classification (germline): Uncertain significance (1 of 4 stars; one submission).

Allele frequency attached by ClinVar (database versions not stated): TOPMed 0.00002.
gnomAD v4.1: 16 of 1,594,350 alleles (0.001%); highest among the groups gnomAD compares: Admixed American, 0.024%; no homozygotes.

Submission:

Labcorp Genetics (formerly Invitae), Labcorp
Classification: Uncertain significance. Last evaluated: 2024-01-18. Review status: criteria provided, single submitter. Criteria: Invitae Variant Classification Sherloc (09022015). Collection method: clinical testing. Allele origin: germline.
Comment: This sequence change replaces proline, which is neutral and non-polar, with leucine, which is neutral and non-polar, at codon 47 of the TRPC6 protein (p.Pro47Leu). This variant is present in population databases (rs780362215, gnomAD 0.04%), and has an allele count higher than expected for a pathogenic variant. This variant has not been reported in the literature in individuals affected with TRPC6-related conditions. ClinVar contains an entry for this variant (Variation ID: 1414345). An algorithm developed to predict the effect of missense changes on protein structure and function (PolyPhen-2) suggests that this variant is likely to be tolerated. In summary, the available evidence is currently insufficient to determine the role of this variant in disease. Therefore, it has been classified as a Variant of Uncertain Significance.

NM_004621.6(TRPC6):c.140C>T (p.Pro47Leu)

Gene: TRPC6 (transient receptor potential cation channel subfamily C member 6; minus strand). Cytogenetic location: 11q22.1.
Variant type: single nucleotide variant.
Coding change: c.140C>T on transcript NM_004621.6 (MANE Select); coding-DNA position 140, C replaced by T.
Protein change: p.Pro47Leu; replaces proline 47 with leucine.
Molecular consequence: missense variant.
Genome position (GRCh38, 1-based): chr11:101,583,364, G>A on the plus strand (C>T on the coding strand, the complement: TRPC6 is on the minus strand). VCF-style: chr11-101583364-G-A. GRCh37 (hg19) VCF-style: chr11-101454095-G-A.
Other names: short protein forms P47L.
Identifiers: ClinVar variation 1414345 (VCV001414345.8), dbSNP rs780362215, ClinGen allele CA6244613.